The following is an entry in ClinVar:

ClinVar aggregate classification (germline): Pathogenic (1 of 4 stars; one submission).

Conditions:
Progressive sclerosing poliodystrophy (MTDPS4A). Also called: ALPERS PROGRESSIVE INFANTILE POLIODYSTROPHY; NEURONAL DEGENERATION OF CHILDHOOD WITH LIVER DISEASE, PROGRESSIVE; Alpers Syndrome; ALPERS DIFFUSE DEGENERATION OF CEREBRAL GRAY MATTER WITH HEPATIC CIRRHOSIS; Alpers-Huttenlocher Syndrome; Mitochondrial DNA depletion syndrome 4A (Alpers type). Identifiers: Orphanet 726, MedGen C0205710, MONDO:0008758, OMIM 203700.

Submission:

Labcorp Genetics (formerly Invitae), Labcorp
Classification: Pathogenic for Progressive sclerosing poliodystrophy. Last evaluated: 2021-06-25. Review status: criteria provided, single submitter. Criteria: Invitae Variant Classification Sherloc (09022015). Collection method: clinical testing. Allele origin: germline.
Comment: This sequence change creates a premature translational stop signal (p.Leu965*) in the POLG gene. It is expected to result in an absent or disrupted protein product. Loss-of-function variants in POLG are known to be pathogenic (PMID: 18546365). This variant is not present in population databases (ExAC no frequency). This variant has not been reported in the literature in individuals affected with POLG-related conditions. For these reasons, this variant has been classified as Pathogenic.

Literature cited by the submitters: PubMed 18546365.

NM_002693.3(POLG):c.2894_2897del (p.Arg964_Leu965insTer)

Gene: POLG (DNA polymerase gamma, catalytic subunit; minus strand). Cytogenetic location: 15q26.1.
Variant type: Deletion.
Coding change: c.2894_2897del on transcript NM_002693.3 (MANE Select); coding-DNA positions 2894 to 2897, 4 bases deleted (TACT; older notation c.2894_2897delTACT).
Protein change: p.Arg964_Leu965insTer.
Molecular consequence: nonsense.
Genome position (GRCh38, 1-based): chr15:89,320,850-89,320,853, AGTA deleted on the plus strand (TACT on the coding strand, the reverse complement: POLG is on the minus strand); deleting any 4 consecutive bases within chr15:89,320,850-89,320,855 gives the same sequence; the c. name uses the placement nearest the transcript's 3' end. VCF-style (leftmost placement, unchanged base first): chr15-89320849-TAGTA-T. GRCh37 (hg19) VCF-style: chr15-89864080-TAGTA-T.
Other names: c.2894_2897del, p.Arg964_Leu965insTer (NM_001126131.2).
Identifiers: ClinVar variation 1454886 (VCV001454886.6), dbSNP rs2152060929, ClinGen allele CA2573151237.